The following is an entry in ClinVar:

ClinVar aggregate classification (germline): Conflicting classifications of pathogenicity. Review status: criteria provided, conflicting classifications (1 of 4 stars). 2 submissions from 2 submitters: Uncertain significance (1); Benign (1). Last evaluated 2025-10-01.

Conditions:
RAI1-related disorder. Also called: RAI1-related condition.

gnomAD v4.1: 1 of 1,602,292 alleles (0.000062%); highest among the groups gnomAD compares: Admixed American, 0.0017%; no homozygotes.

Submissions (2):

Labcorp Genetics (formerly Invitae), Labcorp
Classification: Benign. Last evaluated: 2025-10-01. Review status: criteria provided, single submitter. Criteria: Invitae Variant Classification Sherloc (09022015). Collection method: clinical testing. Allele origin: germline.

PreventionGenetics, part of Exact Sciences
Classification: Uncertain significance for RAI1-related condition. Last evaluated: 2025-08-05. Review status: criteria provided, single submitter. Criteria: ACMG Guidelines, 2015. Collection method: clinical testing. Allele origin: germline.
Comment: The RAI1 c.5392C>T variant is predicted to result in the amino acid substitution p.Pro1798Ser. To our knowledge, this variant has not been reported in the literature or in a large population database (gnomAD), indicating this variant is rare. At this time, the clinical significance of this variant is uncertain due to the absence of conclusive functional and genetic evidence.

NM_030665.4(RAI1):c.5392C>T (p.Pro1798Ser)

Gene: RAI1 (retinoic acid induced 1; plus strand). Cytogenetic location: 17p11.2.
Variant type: single nucleotide variant.
Coding change: c.5392C>T on transcript NM_030665.4 (MANE Select); coding-DNA position 5392, C replaced by T.
Protein change: p.Pro1798Ser; replaces proline 1798 with serine.
Molecular consequence: missense variant.
Genome position (GRCh38, 1-based): chr17:17,798,340, C>T. VCF-style: chr17-17798340-C-T. GRCh37 (hg19) VCF-style: chr17-17701654-C-T.
Other names: c.5392C>T (NM_030665.3); short protein forms P1798S.
Identifiers: ClinVar variation 4770207 (VCV004770207.2).